The following is an entry in ClinVar:

ClinVar aggregate classification (germline): Uncertain significance. Review status: criteria provided, multiple submitters, no conflicts (2 of 4 stars). 3 submissions from 3 submitters: Uncertain significance (3). Last evaluated 2025-02-25.

gnomAD v4.1: 147 of 1,613,858 alleles (0.0091%); highest among the groups gnomAD compares: Middle Eastern, 0.016%; no homozygotes.

Submissions (3):

Labcorp Genetics (formerly Invitae), Labcorp
Classification: Uncertain significance. Last evaluated: 2025-02-25. Review status: criteria provided, single submitter. Criteria: Invitae Variant Classification Sherloc (09022015). Collection method: clinical testing. Allele origin: germline.
Comment: This sequence change replaces valine, which is neutral and non-polar, with leucine, which is neutral and non-polar, at codon 115 of the PLA2G5 protein (p.Val115Leu). This variant is present in population databases (rs183088076, gnomAD 0.007%). This variant has not been reported in the literature in individuals affected with PLA2G5-related conditions. ClinVar contains an entry for this variant (Variation ID: 1377756). An algorithm developed to predict the effect of missense changes on protein structure and function (PolyPhen-2) suggests that this variant is likely to be disruptive. In summary, the available evidence is currently insufficient to determine the role of this variant in disease. Therefore, it has been classified as a Variant of Uncertain Significance.

Blueprint Genetics
Classification: Uncertain significance. Last evaluated: 2024-04-01. Review status: criteria provided, single submitter. Criteria: ACMG Guidelines, 2015. Collection method: clinical testing. Allele origin: germline.

Ambry Genetics
Classification: Uncertain significance. Last evaluated: 2023-02-28. Review status: criteria provided, single submitter. Criteria: Ambry Variant Classification Scheme 2023. Collection method: clinical testing. Allele origin: germline.

NM_000929.3(PLA2G5):c.343G>C (p.Val115Leu)

Gene: PLA2G5 (phospholipase A2 group V; plus strand). Cytogenetic location: 1p36.13.
Variant type: single nucleotide variant.
Coding change: c.343G>C on transcript NM_000929.3 (MANE Select); coding-DNA position 343, G replaced by C.
Protein change: p.Val115Leu; replaces valine 115 with leucine.
Molecular consequence: missense variant.
Genome position (GRCh38, 1-based): chr1:20,090,618, G>C. VCF-style: chr1-20090618-G-C. GRCh37 (hg19) VCF-style: chr1-20417111-G-C.
Other names: c.343G>C (NM_000929.2); short protein forms V115L.
Identifiers: ClinVar variation 1377756 (VCV001377756.10), dbSNP rs183088076, ClinGen allele CA658273.